The following is an entry in ClinVar:

NM_000515.5(GH1):c.370G>A (p.Ala124Thr)

Genes: GH-LCR (growth hormone locus control region; plus strand), GH1 (growth hormone 1; minus strand). Cytogenetic location: 17q23.3.
Variant type: single nucleotide variant.
Coding change: c.370G>A on transcript NM_000515.5 (MANE Select); coding-DNA position 370, G replaced by A.
Protein change: p.Ala124Thr; replaces alanine 124 with threonine.
Molecular consequence: missense variant.
Genome position (GRCh38, 1-based): chr17:63,917,846, C>T on the plus strand (G>A on the coding strand, the complement: GH1 is on the minus strand). VCF-style: chr17-63917846-C-T. GRCh37 (hg19) VCF-style: chr17-61995206-C-T.
Other names: c.325G>A, p.Ala109Thr (NM_022559.4); c.250G>A, p.Ala84Thr (NM_022560.4); short protein forms A124T, A84T, A109T.
Identifiers: ClinVar variation 197152 (VCV000197152.10), dbSNP rs373958758, ClinGen allele CA245133.

ClinVar aggregate classification (germline): Uncertain significance. Review status: criteria provided, multiple submitters, no conflicts (2 of 4 stars). 3 submissions from 3 submitters: Uncertain significance (3). Last evaluated 2024-02-07.

Allele frequency attached by ClinVar (database versions not stated): gnomAD 0.00003; ExAC 0.00005; TOPMed 0.00006; gnomAD exomes 0.00007.

Submissions (3):

Labcorp Genetics (formerly Invitae), Labcorp
Classification: Uncertain significance. Last evaluated: 2024-02-07. Review status: criteria provided, single submitter. Criteria: Invitae Variant Classification Sherloc (09022015). Collection method: clinical testing. Allele origin: germline.
Comment: This sequence change replaces alanine, which is neutral and non-polar, with threonine, which is neutral and polar, at codon 124 of the GH1 protein (p.Ala124Thr). This variant is present in population databases (rs373958758, gnomAD 0.02%). This variant has not been reported in the literature in individuals affected with GH1-related conditions. ClinVar contains an entry for this variant (Variation ID: 197152). Algorithms developed to predict the effect of missense changes on protein structure and function output the following: SIFT: "Not Available"; PolyPhen-2: "Benign"; Align-GVGD: "Not Available". The threonine amino acid residue is found in multiple mammalian species, which suggests that this missense change does not adversely affect protein function. In summary, the available evidence is currently insufficient to determine the role of this variant in disease. Therefore, it has been classified as a Variant of Uncertain Significance.

GeneDx
Classification: Uncertain significance. Last evaluated: 2022-08-23. Review status: criteria provided, single submitter. Criteria: GeneDx Variant Classification Process June 2021. Collection method: clinical testing. Allele origin: germline. Affected: yes.
Comment: Has not been previously published as pathogenic or benign to our knowledge; In silico analysis supports that this missense variant does not alter protein structure/function

Eurofins Ntd Llc (ga)
Classification: Uncertain significance. Last evaluated: 2014-12-18. Review status: criteria provided, single submitter. Criteria: EGL Classification Definitions 2015. Collection method: clinical testing. Allele origin: germline. Observed: 1 variant allele, 1 heterozygote.